The following is an entry in ClinVar:

ClinVar aggregate classification (germline): Uncertain significance. Review status: criteria provided, multiple submitters, no conflicts (2 of 4 stars). 3 submissions from 3 submitters: Uncertain significance (3). Last evaluated 2026-05-01.

Conditions:
Cardiovascular phenotype. Identifiers: MedGen CN230736.
Vesicoureteral reflux 8 (VUR8). Identifiers: Orphanet 289365, MedGen C4014831, MONDO:0014422, OMIM 615963.

Allele frequency attached by ClinVar (database versions not stated): gnomAD 0.00004; ESP Exome Variant Server 0.00008; gnomAD exomes 0.00001; TOPMed 0.00003.
gnomAD v4.1: 28 of 1,603,992 alleles (0.0017%); highest among the groups gnomAD compares: Non-Finnish European, 0.002%; no homozygotes.

Submissions (3):

CeGaT Center for Human Genetics Tuebingen
Classification: Uncertain significance. Last evaluated: 2026-05-01. Review status: criteria provided, single submitter. Criteria: CeGaT Center For Human Genetics Tuebingen Variant Classification Criteria Version 2. Collection method: clinical testing. Allele origin: germline. Affected: yes. Observed: 1 variant allele.
Comment: TNXB: PM2, BP4

Ambry Genetics
Classification: Uncertain significance for Cardiovascular phenotype. Last evaluated: 2024-08-05. Review status: criteria provided, single submitter. Criteria: Ambry Variant Classification Scheme 2023. Collection method: clinical testing. Allele origin: germline.

Pittsburgh Clinical Genomics Laboratory, University of Pittsburgh Medical Center
Classification: Uncertain significance for Vesicoureteral reflux 8. Last evaluated: 2024-03-08. Review status: criteria provided, single submitter. Criteria: ACMG Guidelines, 2015. Collection method: clinical testing. Allele origin: germline. Inheritance: Autosomal unknown. Affected: yes.
Comment: This sequence variant is a single nucleotide substitution (G>A) at position 4711 of the coding sequence of the TNXB gene that results in an alanine to threonine amino acid change at residue 1571 of the tenascin XB protein. The 1571 residue falls in the fibronectin type-III 6 domain (UniProt). This is a previously reported variant (ClinVar 1742596) that has not been observed in individuals affected by a TNXB-related disorder in the published literature, to our knowledge. This variant is present in 28 of 1603992 alleles (0.0017%) in the gnomAD v4.0.0 population dataset. Multiple bioinformatic tools predict that this amino acid change would be neutral, and the Ala1571 residue at this position is poorly conserved across the vertebrate species examined. Studies examining the functional consequence of this variant have not been published, to our knowledge. At this time, there is insufficient evidence to determine if this variant is pathogenic or benign. Therefore, we consider this a variant of uncertain significance. ACMG Criteria: BP4, PM2

NM_001365276.2(TNXB):c.4711G>A (p.Ala1571Thr)

Gene: TNXB (tenascin XB; minus strand). Cytogenetic location: 6p21.33.
Variant type: single nucleotide variant.
Coding change: c.4711G>A on transcript NM_001365276.2 (MANE Select); coding-DNA position 4711, G replaced by A.
Protein change: p.Ala1571Thr; replaces alanine 1571 with threonine.
Molecular consequence: missense variant.
Genome position (GRCh38, 1-based): chr6:32,072,269, C>T on the plus strand (G>A on the coding strand, the complement: TNXB is on the minus strand). VCF-style: chr6-32072269-C-T. GRCh37 (hg19) VCF-style: chr6-32040046-C-T.
Other names: c.4711G>A, p.Ala1571Thr (NM_019105.8); short protein forms A1571T.
Identifiers: ClinVar variation 1742596 (VCV001742596.6), dbSNP rs374179831, ClinGen allele CA136890028.